The following is an entry in ClinVar:

NM_003611.3(OFD1):c.1370A>T (p.Gln457Leu)

Gene: OFD1 (OFD1 centriole and centriolar satellite protein; plus strand). Cytogenetic location: Xp22.2.
Variant type: single nucleotide variant.
Coding change: c.1370A>T on transcript NM_003611.3 (MANE Select); coding-DNA position 1370, A replaced by T.
Protein change: p.Gln457Leu; replaces glutamine 457 with leucine.
Molecular consequence: missense variant.
Genome position (GRCh38, 1-based): chrX:13,756,726, A>T. VCF-style: chrX-13756726-A-T. GRCh37 (hg19) VCF-style: chrX-13774845-A-T.
Other names: c.1250A>T, p.Gln417Leu (NM_001330209.2); c.950A>T, p.Gln317Leu (NM_001330210.2); short protein forms Q457L, Q317L, Q417L.
Identifiers: ClinVar variation 3409815 (VCV003409815.4).
Genomic context (GRCh38, chrX:13,756,726, plus strand): 5'-ATTCACTACTAAAAGAAGAGAAACTGGAGCTTCTGGCACAAAATAAATTACTTAAACAAC[A>T]ACTGGAAGAGAGTAGAAATGAAAACCTGCGTCTCCTAAACCGTATGTATTTTTCTTTTCT-3'
Protein context (NP_003602.1, residues 447-467): LLAQNKLLKQ[Gln457Leu]LEESRNENLR

ClinVar aggregate classification (germline): Conflicting classifications of pathogenicity. Review status: criteria provided, conflicting classifications (1 of 4 stars). 3 submissions from 3 submitters: Uncertain significance (2); Likely benign (1). Last evaluated 2024-08-10.

Conditions:
Joubert syndrome. Also called: JOUBERT-BOLTSHAUSER SYNDROME; Familial aplasia of the vermis. Identifiers: Orphanet 475, MedGen C5979921, MONDO:0018772.
Orofaciodigital syndrome I (OFD1). Also called: OFDS I; Papillon-Leage and Psaume Syndrome; Oral-Facial-Digital Syndrome Type I. Identifiers: Orphanet 2750, MedGen C1510460, MONDO:0010702, OMIM 311200.
Primary ciliary dyskinesia. Also called: Ciliary dyskinesia. Identifiers: Orphanet 244, MedGen C0008780, MONDO:0016575, HP:0012265.

gnomAD v4.1: 4 of 1,207,880 alleles (0.00033%); highest among the groups gnomAD compares: East Asian, 0.012%; no homozygotes.

Submissions (3):

Ambry Genetics
Classification: Likely benign for Primary ciliary dyskinesia. Last evaluated: 2024-08-10. Review status: criteria provided, single submitter. Criteria: Ambry Variant Classification Scheme 2023. Collection method: clinical testing. Allele origin: germline.

Revvity Omics, Revvity
Classification: Uncertain significance. Last evaluated: 2024-03-07. Review status: criteria provided, single submitter. Criteria: ACMG Guidelines, 2015. Collection method: clinical testing. Allele origin: germline.

Labcorp Genetics (formerly Invitae), Labcorp
Classification: Uncertain significance for Orofaciodigital syndrome I; Joubert syndrome. Last evaluated: 2024-02-25. Review status: criteria provided, single submitter. Criteria: Invitae Variant Classification Sherloc (09022015). Collection method: clinical testing. Allele origin: germline.
Comment: This sequence change replaces glutamine, which is neutral and polar, with leucine, which is neutral and non-polar, at codon 457 of the OFD1 protein (p.Gln457Leu). This variant is present in population databases (rs769970172, gnomAD 0.04%). This variant has not been reported in the literature in individuals affected with OFD1-related conditions. Advanced modeling of protein sequence and biophysical properties (such as structural, functional, and spatial information, amino acid conservation, physicochemical variation, residue mobility, and thermodynamic stability) performed at Invitae indicates that this missense variant is not expected to disrupt OFD1 protein function with a negative predictive value of 80%. In summary, the available evidence is currently insufficient to determine the role of this variant in disease. Therefore, it has been classified as a Variant of Uncertain Significance.